The following is an entry in ClinVar:

ClinVar aggregate classification (germline): Uncertain significance (1 of 4 stars; one submission).

Conditions:
Inborn genetic diseases. Identifiers: MedGen C0950123, MeSH D030342.

Allele frequency attached by ClinVar (database versions not stated): gnomAD exomes 0.00001; ExAC 0.00002; gnomAD 0.00004; TOPMed 0.00004; ESP Exome Variant Server 0.00008.
gnomAD v4.1: 15 of 1,614,016 alleles (0.00093%); highest among the groups gnomAD compares: African/African-American, 0.013%; no homozygotes.

Submission:

Ambry Genetics
Classification: Uncertain significance for Inborn genetic diseases. Last evaluated: 2019-03-29. Review status: criteria provided, single submitter. Criteria: Ambry Variant Classification Scheme 2023. Collection method: clinical testing. Allele origin: germline.
Comment: The p.Q755L variant (also known as c.2264A>T), located in coding exon 22 of the CC2D1A gene, results from an A to T substitution at nucleotide position 2264. The glutamine at codon 755 is replaced by leucine, an amino acid with dissimilar properties. This amino acid position is well conserved in available vertebrate species; however, leucine is the reference amino acid in other vertebrate species. In addition, this alteration is predicted to be tolerated by in silico analysis. Since supporting evidence is limited at this time, the clinical significance of this alteration remains unclear.

NM_017721.5(CC2D1A):c.2264A>T (p.Gln755Leu)

Gene: CC2D1A (coiled-coil and C2 domain containing 1A; plus strand). Cytogenetic location: 19p13.12.
Variant type: single nucleotide variant.
Coding change: c.2264A>T on transcript NM_017721.5 (MANE Select); coding-DNA position 2264, A replaced by T.
Protein change: p.Gln755Leu; replaces glutamine 755 with leucine.
Molecular consequence: missense variant.
Genome position (GRCh38, 1-based): chr19:13,927,213, A>T. VCF-style: chr19-13927213-A-T. GRCh37 (hg19) VCF-style: chr19-14038026-A-T.
Other names: short protein forms Q755L.
Identifiers: ClinVar variation 588984 (VCV000588984.5), dbSNP rs369325449, ClinGen allele CA9244997.